The following is an entry in ClinVar:

ClinVar aggregate classification (germline): Likely benign (1 of 4 stars; one submission).

Conditions:
Fanconi anemia complementation group J. Also called: BRIP1-Related Fanconi Anemia. Identifiers: Orphanet 84, MedGen C1836860, MONDO:0012187, OMIM 609054.

Allele frequency attached by ClinVar (database versions not stated): gnomAD 0.00271 and 0.00297; 1000 Genomes Project 30x 0.00297; TOPMed 0.00297; 1000 Genomes Project 0.00359.
gnomAD v4.1: 433 of 210,508 alleles (0.21%); highest among the groups gnomAD compares: African/African-American, 0.93%; 2 homozygotes.

Submission:

Illumina Laboratory Services, Illumina
Classification: Likely benign for Fanconi anemia complementation group J. Last evaluated: 2018-01-12. Review status: criteria provided, single submitter. Criteria: ICSL Variant Classification Criteria 13 December 2019. Collection method: clinical testing. Allele origin: germline.
Comment: This variant was observed in the ICSL laboratory as part of a predisposition screen in an ostensibly healthy population. It had not been previously curated by ICSL or reported in the Human Gene Mutation Database (HGMD: prior to June 1st, 2018), and was therefore a candidate for classification through an automated scoring system. Utilizing variant allele frequency, disease prevalence and penetrance estimates, and inheritance mode, an automated score was calculated to assess if this variant is too frequent to cause the disease. Based on the score and internal cut-off values, a variant classified as likely benign is not then subjected to further curation. The score for this variant resulted in a classification of likely benign for this disease.

NM_032043.3(BRIP1):c.*1964T>C

Gene: BRIP1 (BRCA1 interacting DNA helicase 1; minus strand). Cytogenetic location: 17q23.2.
Variant type: single nucleotide variant.
Coding change: c.*1964T>C on transcript NM_032043.3 (MANE Select); 1964 bases downstream of the stop codon, T replaced by C.
Molecular consequence: 3 prime UTR variant.
Genome position (GRCh38, 1-based): chr17:61,681,332, A>G on the plus strand (T>C on the coding strand, the complement: BRIP1 is on the minus strand). VCF-style: chr17-61681332-A-G. GRCh37 (hg19) VCF-style: chr17-59758693-A-G.
Identifiers: ClinVar variation 324323 (VCV000324323.5), dbSNP rs140267868, ClinGen allele CA10649743.
Genomic context (GRCh38, chr17:61,681,332, plus strand): 5'-TTTTAAATGAAATAATATGCTTTATTTTAACCGTTCTGGAACAAAAGCAAATGAAAATCG[A>G]CTCAGAATATCAACAGACATTCCTTTATAGATTCTCAAAGCACAAAGAAATTTGTATGAT-3'